The following is an entry in ClinVar:

NM_001130969.3(NSMF):c.1430A>G (p.Asn477Ser)

Genes: NSMF (NMDA receptor synaptonuclear signaling and neuronal migration factor; minus strand), LOC126860797 (MED14-independent group 3 enhancer GRCh37_chr9:140343721-140344920; plus strand). Cytogenetic location: 9q34.3.
Variant type: single nucleotide variant.
Coding change: c.1430A>G on transcript NM_001130969.3 (MANE Select); coding-DNA position 1430, A replaced by G.
Protein change: p.Asn477Ser; replaces asparagine 477 with serine.
Molecular consequence: missense variant.
Genome position (GRCh38, 1-based): chr9:137,449,664, T>C on the plus strand (A>G on the coding strand, the complement: NSMF is on the minus strand). VCF-style: chr9-137449664-T-C. GRCh37 (hg19) VCF-style: chr9-140344116-T-C.
Other names: c.1361A>G, p.Asn454Ser (NM_001130970.2); c.1355A>G, p.Asn452Ser (NM_001130971.2); c.1340A>G, p.Asn447Ser (NM_001178064.2); c.1424A>G, p.Asn475Ser (NM_015537.5, NM_182780.1); c.1430A>G (NM_001130969.1); short protein forms N447S, N477S, N475S, N452S, N454S.
Identifiers: ClinVar variation 2326702 (VCV002326702.3), dbSNP rs759030901, ClinGen allele CA5369972.
Genomic context (GRCh38, chr9:137,449,664, plus strand): 5'-GCTGAGAGCTCCAGGGGTGACTCGAAGGTGACCCTATAAGGAGTCATGAGGGTCCTGAGG[T>C]TCTGGAACAGCTGGAGGAAGCGGGGTGCCATGAGTCCGAGGCAGAGAGATGGGGAAGGAG-3'
Protein context (NP_001124441.1, residues 467-487): GNPNGEKLFQ[Asn477Ser]LRTLMTPYRV

ClinVar aggregate classification (germline): Uncertain significance. Review status: criteria provided, multiple submitters, no conflicts (2 of 4 stars). 2 submissions from 2 submitters: Uncertain significance (2). Last evaluated 2025-05-28.

Conditions:
NSMF-related disorder. Also called: NSMF-related condition.

Allele frequency attached by ClinVar (database versions not stated): ExAC 0.00001; gnomAD exomes 0.00001; TOPMed 0.00001; gnomAD 0.00002.
gnomAD v4.1: 10 of 1,612,264 alleles (0.00062%); highest among the groups gnomAD compares: Admixed American, 0.0017%; no homozygotes.

Submissions (2):

PreventionGenetics, part of Exact Sciences
Classification: Uncertain significance for NSMF-related condition. Last evaluated: 2025-05-28. Review status: criteria provided, single submitter. Criteria: ACMG Guidelines, 2015. Collection method: clinical testing. Allele origin: germline.
Comment: The NSMF c.1430A>G variant is predicted to result in the amino acid substitution p.Asn477Ser. To our knowledge, this variant has not been reported in the literature. This variant is reported in 0.0031% of alleles in individuals of European (Non-Finnish) descent in gnomAD. At this time, the clinical significance of this variant is uncertain due to the absence of conclusive functional and genetic evidence.

Ambry Genetics
Classification: Uncertain significance. Last evaluated: 2022-11-17. Review status: criteria provided, single submitter. Criteria: Ambry Variant Classification Scheme 2023. Collection method: clinical testing. Allele origin: germline.